The following is an entry in ClinVar:

ClinVar aggregate classification (germline): Uncertain significance (1 of 4 stars; one submission).

Allele frequency attached by ClinVar (database versions not stated): ExAC 0.00001; gnomAD 0.00001; gnomAD exomes 0.00001.
gnomAD v4.1: 12 of 1,614,026 alleles (0.00074%); highest among the groups gnomAD compares: Admixed American, 0.005%; no homozygotes.

Submission:

Labcorp Genetics (formerly Invitae), Labcorp
Classification: Uncertain significance. Last evaluated: 2023-09-18. Review status: criteria provided, single submitter. Criteria: Invitae Variant Classification Sherloc (09022015). Collection method: clinical testing. Allele origin: germline.
Comment: Advanced modeling of protein sequence and biophysical properties (such as structural, functional, and spatial information, amino acid conservation, physicochemical variation, residue mobility, and thermodynamic stability) performed at Invitae indicates that this missense variant is not expected to disrupt MTMR14 protein function. In summary, the available evidence is currently insufficient to determine the role of this variant in disease. Therefore, it has been classified as a Variant of Uncertain Significance. This sequence change replaces glycine, which is neutral and non-polar, with aspartic acid, which is acidic and polar, at codon 197 of the MTMR14 protein (p.Gly197Asp). This variant is present in population databases (rs778623733, gnomAD 0.006%). This variant has not been reported in the literature in individuals affected with MTMR14-related conditions.

NM_001077525.3(MTMR14):c.590G>A (p.Gly197Asp)

Gene: MTMR14 (myotubularin related protein 14; plus strand). Cytogenetic location: 3p25.3.
Variant type: single nucleotide variant.
Coding change: c.590G>A on transcript NM_001077525.3 (MANE Select); coding-DNA position 590, G replaced by A.
Protein change: p.Gly197Asp; replaces glycine 197 with aspartic acid.
Molecular consequence: missense variant. On other transcripts: 5 prime UTR variant (16), non-coding transcript variant (9).
Genome position (GRCh38, 1-based): chr3:9,671,083, G>A. VCF-style: chr3-9671083-G-A. GRCh37 (hg19) VCF-style: chr3-9712767-G-A.
Other names: c.-53G>A (NM_001400538.1, NM_001400539.1, NM_001400540.1 and 9 more transcripts); c.-126G>A (NM_001400544.1, NM_001400547.1, NM_001400548.1 and 1 more transcripts); c.590G>A, p.Gly197Asp (NM_022485.5, NM_001400523.1, NM_001400528.1 and 2 more transcripts); c.344G>A, p.Gly115Asp (NM_001400524.1, NM_001400527.1, NM_001400530.1 and 1 more transcripts); c.308G>A, p.Gly103Asp (NM_001400525.1, NM_001400529.1, NM_001400532.1 and 1 more transcripts); c.659G>A, p.Gly220Asp (NM_001400526.1, NM_001400518.1, NM_001400521.1); c.341G>A, p.Gly114Asp (NM_001400531.1); c.587G>A, p.Gly196Asp (NM_001400519.1, NM_001400522.1); short protein forms G103D, G197D, G114D, G115D, G196D, G220D.
Identifiers: ClinVar variation 2964234 (VCV002964234.3), dbSNP rs778623733, ClinGen allele CA2240364.
Genomic context (GRCh38, chr3:9,671,083, plus strand): 5'-TTCTCCCTCTGGCTCTTTATTTCAGAAGTGGTGACACGCATCTTTTTGATAAGGTCAGAG[G>A]CTATGACATCAAGCTGCTTCGATACCTGTCAGTCAAATACATCTGTGACCTGATGGTGGA-3'
Protein context (NP_001070993.1, residues 187-207): GDTHLFDKVR[Gly197Asp]YDIKLLRYLS